The following is an entry in ClinVar:

NM_000719.7(CACNA1C):c.3903C>T (p.Thr1301=)

Gene: CACNA1C (calcium voltage-gated channel subunit alpha1 C; plus strand). Cytogenetic location: 12p13.33.
Variant type: single nucleotide variant.
Coding change: c.3903C>T on transcript NM_000719.7 (MANE Select); coding-DNA position 3903, C replaced by T.
Protein change: p.Thr1301=; no amino-acid change (threonine 1301 retained).
Molecular consequence: synonymous variant. On other transcripts: intron variant (6).
Genome position (GRCh38, 1-based): chr12:2,634,371, C>T. VCF-style: chr12-2634371-C-T. GRCh37 (hg19) VCF-style: chr12-2743537-C-T.
Other names: c.4047C>T, p.Thr1349= (NM_001129827.2, NM_199460.4); c.3903C>T, p.Thr1301= (NM_001129829.2, NM_001129830.3, NM_001129834.2 and 8 more transcripts); c.3987C>T, p.Thr1329= (NM_001129831.2, NM_001129836.2); c.3963C>T, p.Thr1321= (NM_001129832.2); c.3912+659C>T (NM_001167624.3, NM_001167623.2, NM_001129833.2 and 2 more transcripts); c.3903+659C>T (NM_001129844.2).
Identifiers: ClinVar variation 758765 (VCV000758765.5), dbSNP rs1489840314, ClinGen allele CA477910632.

ClinVar aggregate classification (germline): Conflicting classifications of pathogenicity. Review status: criteria provided, conflicting classifications (1 of 4 stars). 2 submissions from 2 submitters: Uncertain significance (1); Likely benign (1). Last evaluated 2025-12-20.

Conditions:
Cardiovascular phenotype. Identifiers: MedGen CN230736.
Long QT syndrome (LQTS). Identifiers: MedGen C0023976, MeSH D008133, MONDO:0002442. Disease mechanism: loss of function. Inheritance: Various modes of inheritance.

gnomAD v4.1: 5 of 1,566,552 alleles (0.00032%); highest among the groups gnomAD compares: Non-Finnish European, 0.00044%; no homozygotes.

Submissions (2):

Labcorp Genetics (formerly Invitae), Labcorp
Classification: Likely benign for Long QT syndrome. Last evaluated: 2025-12-20. Review status: criteria provided, single submitter. Criteria: Invitae Variant Classification Sherloc (09022015). Collection method: clinical testing. Allele origin: germline.

Ambry Genetics
Classification: Uncertain significance for Cardiovascular phenotype. Last evaluated: 2023-12-28. Review status: criteria provided, single submitter. Criteria: Ambry Variant Classification Scheme 2023. Collection method: clinical testing. Allele origin: germline.
Comment: The c.3903C>T variant (also known as p.T1301T), located in coding exon 30 of the CACNA1C gene, results from a C to T substitution at nucleotide position 3903. This nucleotide substitution does not change the threonine at codon 1301. This nucleotide position is not well conserved in available vertebrate species. In silico splice site analysis predicts that this alteration may weaken the native splice donor site. Based on the supporting evidence, the association of this alteration with CACNA1C- related neurodevelopmental disorder is unknown; however, the association of this alteration with Timothy syndrome or long QT syndrome is unlikely.